The following is an entry in ClinVar:

ClinVar aggregate classification (germline): Benign (0 of 4 stars; one submission).

Conditions:
IQGAP3-related disorder. Also called: IQGAP3-related condition.

Allele frequency attached by ClinVar (database versions not stated): TOPMed 0.00019; gnomAD 0.00068; gnomAD exomes 0.00129; ExAC 0.00307; 1000 Genomes Project 30x 0.00593; 1000 Genomes Project 0.00639.
gnomAD v4.1: 1,982 of 1,613,672 alleles (0.12%); highest among the groups gnomAD compares: South Asian, 1.9%; 39 homozygotes.

Submission:

PreventionGenetics, part of Exact Sciences
Classification: Benign for IQGAP3-related condition. Last evaluated: 2019-04-25. Review status: no assertion criteria provided. Collection method: clinical testing. Allele origin: germline.
Comment: This variant is classified as benign based on ACMG/AMP sequence variant interpretation guidelines (Richards et al. 2015 PMID: 25741868, with internal and published modifications).

NM_178229.5(IQGAP3):c.4122C>T (p.Ala1374=)

Gene: IQGAP3 (IQ motif containing GTPase activating protein 3; minus strand). Cytogenetic location: 1q22.
Variant type: single nucleotide variant.
Coding change: c.4122C>T on transcript NM_178229.5 (MANE Select); coding-DNA position 4122, C replaced by T.
Protein change: p.Ala1374=; no amino-acid change (alanine 1374 retained).
Molecular consequence: synonymous variant.
Genome position (GRCh38, 1-based): chr1:156,531,229, G>A on the plus strand (C>T on the coding strand, the complement: IQGAP3 is on the minus strand). VCF-style: chr1-156531229-G-A. GRCh37 (hg19) VCF-style: chr1-156501021-G-A.
Identifiers: ClinVar variation 3041639 (VCV003041639.2), dbSNP rs201700249, ClinGen allele CA1160800.
Genomic context (GRCh38, chr1:156,531,229, plus strand): 5'-GGAAGCCGAGAGGGACAGGATCTCCTTGAGGGTGTCCCCAGGATGGAACTGTATGATATC[G>A]GCCAACAGCTGCTTGGTGCTGCACAAGGAGGACAGTGACAGAGGAGAGGTAAGGGGCAGG-3'
Protein context (NP_839943.3, residues 1364-1384): SLLLSTKQLL[Ala1374=]DIIQFHPGDT